The following is an entry in ClinVar:

ClinVar aggregate classification (germline): Uncertain significance (1 of 4 stars; one submission).

Allele frequency attached by ClinVar (database versions not stated): gnomAD exomes below 0.00001.
gnomAD v4.1: 1 of 1,614,202 alleles (0.000062%); highest among the groups gnomAD compares: East Asian, 0.0022%; no homozygotes.

Submission:

Labcorp Genetics (formerly Invitae), Labcorp
Classification: Uncertain significance. Last evaluated: 2022-12-03. Review status: criteria provided, single submitter. Criteria: Invitae Variant Classification Sherloc (09022015). Collection method: clinical testing. Allele origin: germline.
Comment: This variant is present in population databases (no rsID available, gnomAD 0.006%). This sequence change replaces valine, which is neutral and non-polar, with glycine, which is neutral and non-polar, at codon 478 of the PPARG protein (p.Val478Gly). This variant has not been reported in the literature in individuals affected with PPARG-related conditions. Advanced modeling of protein sequence and biophysical properties (such as structural, functional, and spatial information, amino acid conservation, physicochemical variation, residue mobility, and thermodynamic stability) performed at Invitae indicates that this missense variant is not expected to disrupt PPARG protein function. In summary, the available evidence is currently insufficient to determine the role of this variant in disease. Therefore, it has been classified as a Variant of Uncertain Significance.

NM_138711.6(PPARG):c.1343T>G (p.Val448Gly)

Gene: PPARG (peroxisome proliferator activated receptor gamma; plus strand). Cytogenetic location: 3p25.2.
Variant type: single nucleotide variant.
Coding change: c.1343T>G on transcript NM_138711.6 (MANE Select); coding-DNA position 1343, T replaced by G.
Protein change: p.Val448Gly; replaces valine 448 with glycine.
Molecular consequence: missense variant. On other transcripts: 3 prime UTR variant (5).
Genome position (GRCh38, 1-based): chr3:12,434,060, T>G. VCF-style: chr3-12434060-T-G. GRCh37 (hg19) VCF-style: chr3-12475559-T-G.
Other names: c.*145T>G (NM_001330615.4, NM_001374261.3, NM_001374262.3 and 1 more transcripts); c.1343T>G, p.Val448Gly (NM_001354666.3, NM_001354667.3, NM_001374263.2 and 3 more transcripts); c.716T>G, p.Val239Gly (NM_001354669.2); c.*129T>G (NM_001374266.1); c.1433T>G, p.Val478Gly (NM_015869.5); short protein forms V239G, V478G, V448G.
Identifiers: ClinVar variation 2818280 (VCV002818280.3), dbSNP rs1333944746, ClinGen allele CA351468011.